The following is an entry in ClinVar:

NC_000004.11:g.(?_120057681)_(120107355_?)del

Gene: MYOZ2 (myozenin 2; plus strand). Cytogenetic location: 4q26.
Variant type: Deletion.
Identifiers: ClinVar variation 3246576 (VCV003246576.1).

ClinVar aggregate classification (germline): Uncertain significance (1 of 4 stars; one submission).

Conditions:
Hypertrophic cardiomyopathy. Also called: HYPERTROPHIC MYOCARDIOPATHY. Identifiers: Orphanet 217569, MedGen C0007194, MeSH D002312, MONDO:0005045, HP:0001639.

Submission:

Labcorp Genetics (formerly Invitae), Labcorp
Classification: Uncertain significance for Hypertrophic cardiomyopathy. Last evaluated: 2023-12-01. Review status: criteria provided, single submitter. Criteria: Invitae Variant Classification Sherloc (09022015). Collection method: clinical testing. Allele origin: unknown.
Comment: A gross deletion of the genomic region encompassing the full coding sequence of the MYOZ2 gene has been identified. The current clinical and genetic evidence is not sufficient to establish whether loss-of-function variants in MYOZ2 cause disease. The boundaries of this event are unknown as they extend beyond the assayed region for this gene and therefore may encompass additional genes. This variant has not been reported in the literature in individuals affected with MYOZ2-related conditions. In summary, the available evidence is currently insufficient to determine the role of this variant in disease. Therefore, it has been classified as a Variant of Uncertain Significance.